The following is an entry in ClinVar:

ClinVar aggregate classification (germline): Benign/Likely benign. Review status: criteria provided, multiple submitters, no conflicts (2 of 4 stars). 8 submissions from 8 submitters: Benign (2); Likely benign (6). Last evaluated 2026-09-01.

Conditions:
FLNB-Related Spectrum Disorders.

Allele frequency attached by ClinVar (database versions not stated): gnomAD 0.00019 and 0.00030; TOPMed 0.00027; gnomAD exomes 0.00043 and 0.00079; 1000 Genomes Project 0.00060; 1000 Genomes Project 30x 0.00078; ExAC 0.00082.
gnomAD v4.1: 690 of 1,614,206 alleles (0.043%); highest among the groups gnomAD compares: South Asian, 0.37%; 4 homozygotes.

Submissions (8):

CeGaT Center for Human Genetics Tuebingen
Classification: Likely benign. Last evaluated: 2026-09-01. Review status: criteria provided, single submitter. Criteria: CeGaT Center For Human Genetics Tuebingen Variant Classification Criteria Version 2. Collection method: clinical testing. Allele origin: germline. Affected: yes. Observed: 2 variant alleles.
Comment: FLNB: BP4, BP7

Labcorp Genetics (formerly Invitae), Labcorp
Classification: Benign. Last evaluated: 2026-01-21. Review status: criteria provided, single submitter. Criteria: Invitae Variant Classification Sherloc (09022015). Collection method: clinical testing. Allele origin: germline.

Blueprint Genetics
Classification: Likely benign. Last evaluated: 2024-11-21. Review status: criteria provided, single submitter. Criteria: ACMG Guidelines, 2015. Collection method: clinical testing. Allele origin: germline.

ARUP Laboratories, Molecular Genetics and Genomics, ARUP Laboratories
Classification: Benign. Last evaluated: 2019-01-24. Review status: criteria provided, single submitter. Criteria: ARUP Molecular Germline Variant Investigation Process. Collection method: clinical testing. Allele origin: germline.

Illumina Laboratory Services, Illumina
Classification: Likely benign for FLNB-Related Spectrum Disorders. Last evaluated: 2018-01-12. Review status: criteria provided, single submitter. Criteria: ICSL Variant Classification Criteria 13 December 2019. Collection method: clinical testing. Allele origin: germline.
Comment: This variant was observed in the ICSL laboratory as part of a predisposition screen in an ostensibly healthy population. It had not been previously curated by ICSL or reported in the Human Gene Mutation Database (HGMD: prior to June 1st, 2018), and was therefore a candidate for classification through an automated scoring system. Utilizing variant allele frequency, disease prevalence and penetrance estimates, and inheritance mode, an automated score was calculated to assess if this variant is too frequent to cause the disease. Based on the score and internal cut-off values, a variant classified as likely benign is not then subjected to further curation. The score for this variant resulted in a classification of likely benign for this disease.

GeneDx
Classification: Likely benign. Last evaluated: 2017-11-20. Review status: criteria provided, single submitter. Criteria: GeneDx Variant Classification (06012015). Collection method: clinical testing. Allele origin: germline. Affected: yes.
Comment: This variant is considered likely benign or benign based on one or more of the following criteria: it is a conservative change, it occurs at a poorly conserved position in the protein, it is predicted to be benign by multiple in silico algorithms, and/or has population frequency not consistent with disease.

Eurofins Ntd Llc (ga)
Classification: Likely benign. Last evaluated: 2015-05-11. Review status: criteria provided, single submitter. Criteria: EGL Classification Definitions 2015. Collection method: clinical testing. Allele origin: germline. Observed: 1 variant allele, 1 heterozygote.

Breakthrough Genomics
Classification: Likely benign. Review status: criteria provided, single submitter. Criteria: ACMG Guidelines, 2015. Collection method: not provided. Allele origin: germline. Inheritance: Autosomal recessive inheritance. Affected: yes.

NM_001457.4(FLNB):c.5769C>T (p.Ala1923=)

Gene: FLNB (filamin B; plus strand). Cytogenetic location: 3p14.3.
Variant type: single nucleotide variant.
Coding change: c.5769C>T on transcript NM_001457.4 (MANE Select); coding-DNA position 5769, C replaced by T.
Protein change: p.Ala1923=; no amino-acid change (alanine 1923 retained).
Molecular consequence: synonymous variant.
Genome position (GRCh38, 1-based): chr3:58,148,246, C>T. VCF-style: chr3-58148246-C-T. GRCh37 (hg19) VCF-style: chr3-58133973-C-T.
Other names: c.5862C>T, p.Ala1954= (NM_001164317.2); c.5736C>T, p.Ala1912= (NM_001164318.2); c.5697C>T, p.Ala1899= (NM_001164319.2).
Identifiers: ClinVar variation 196946 (VCV000196946.50), dbSNP rs201723447, ClinGen allele CA202644.